The following is an entry in ClinVar:

NM_017654.4(SAMD9):c.4748C>T (p.Ala1583Val)

Gene: SAMD9 (sterile alpha motif domain containing 9; minus strand). Cytogenetic location: 7q21.2.
Variant type: single nucleotide variant.
Coding change: c.4748C>T on transcript NM_017654.4 (MANE Select); coding-DNA position 4748, C replaced by T.
Protein change: p.Ala1583Val; replaces alanine 1583 with valine.
Molecular consequence: missense variant.
Genome position (GRCh38, 1-based): chr7:93,101,350, G>A on the plus strand (C>T on the coding strand, the complement: SAMD9 is on the minus strand). VCF-style: chr7-93101350-G-A. GRCh37 (hg19) VCF-style: chr7-92730663-G-A.
Other names: c.4748C>T, p.Ala1583Val (NM_001193307.2); short protein forms A1583V.
Identifiers: ClinVar variation 4536190 (VCV004536190.1).
Genomic context (GRCh38, chr7:93,101,350, plus strand): 5'-TACTGAGATCAAATTCTTGGAGGAAGAATATCAGGCTCTTAAACAATTTCAATGTCATAA[G>A]CAAGTGGGCCTCCAATGGAAAATCCCAGGTAAAAAGACACCTTCTCTATGCTTCTGCCAC-3'
Protein context (NP_060124.2, residues 1573-1589): YLGFSIGGPL[Ala1583Val]YDIEIV

ClinVar aggregate classification (germline): Uncertain significance (1 of 4 stars; one submission).

gnomAD v4.1: 6 of 1,612,504 alleles (0.00037%); highest among the groups gnomAD compares: African/African-American, 0.0013%; no homozygotes.

Submission:

GeneDx
Classification: Uncertain significance. Last evaluated: 2025-06-08. Review status: criteria provided, single submitter. Criteria: GeneDx Variant Classification Process June 2021. Collection method: clinical testing. Allele origin: germline. Affected: yes.
Comment: Not observed at significant frequency in large population cohorts (gnomAD); In silico analysis supports that this missense variant has a deleterious effect on protein structure/function; Has not been previously published as pathogenic or benign to our knowledge